The following is an entry in ClinVar:

ClinVar aggregate classification (germline): Uncertain significance. Review status: criteria provided, multiple submitters, no conflicts (2 of 4 stars). 2 submissions from 2 submitters: Uncertain significance (2). Last evaluated 2023-10-05.

Allele frequency attached by ClinVar (database versions not stated): gnomAD exomes 0.00001; gnomAD 0.00002; TOPMed 0.00002; ESP Exome Variant Server 0.00008.
gnomAD v4.1: 14 of 1,607,544 alleles (0.00087%); highest among the groups gnomAD compares: African/African-American, 0.0013%; no homozygotes.

Submissions (2):

Ambry Genetics
Classification: Uncertain significance. Last evaluated: 2023-10-05. Review status: criteria provided, single submitter. Criteria: Ambry Variant Classification Scheme 2023. Collection method: clinical testing. Allele origin: germline.

Labcorp Genetics (formerly Invitae), Labcorp
Classification: Uncertain significance. Last evaluated: 2022-04-28. Review status: criteria provided, single submitter. Criteria: Invitae Variant Classification Sherloc (09022015). Collection method: clinical testing. Allele origin: germline.
Comment: In summary, the available evidence is currently insufficient to determine the role of this variant in disease. Therefore, it has been classified as a Variant of Uncertain Significance. Algorithms developed to predict the effect of missense changes on protein structure and function (SIFT, PolyPhen-2, Align-GVGD) all suggest that this variant is likely to be tolerated. This variant has not been reported in the literature in individuals affected with KLF10-related conditions. This variant is present in population databases (rs371253957, gnomAD 0.004%). This sequence change replaces alanine, which is neutral and non-polar, with valine, which is neutral and non-polar, at codon 354 of the KLF10 protein (p.Ala354Val).

NM_005655.4(KLF10):c.1061C>T (p.Ala354Val)

Gene: KLF10 (KLF transcription factor 10; minus strand). Cytogenetic location: 8q22.3.
Variant type: single nucleotide variant.
Coding change: c.1061C>T on transcript NM_005655.4 (MANE Select); coding-DNA position 1061, C replaced by T.
Protein change: p.Ala354Val; replaces alanine 354 with valine.
Molecular consequence: missense variant. On other transcripts: non-coding transcript variant (1).
Genome position (GRCh38, 1-based): chr8:102,651,271, G>A on the plus strand (C>T on the coding strand, the complement: KLF10 is on the minus strand). VCF-style: chr8-102651271-G-A. GRCh37 (hg19) VCF-style: chr8-103663499-G-A.
Other names: c.1061C>T (NM_005655.2); c.1028C>T, p.Ala343Val (NM_001032282.4); short protein forms A343V, A354V.
Identifiers: ClinVar variation 1391477 (VCV001391477.7), dbSNP rs371253957, ClinGen allele CA182540655.